The following is an entry in ClinVar:

ClinVar aggregate classification (germline): Uncertain significance. Review status: criteria provided, multiple submitters, no conflicts (2 of 4 stars). 5 submissions from 5 submitters: Uncertain significance (5). Last evaluated 2025-09-08.

Conditions:
WFS1-related disorder. Identifiers: MedGen CN379391, MONDO:0700293.
Inborn genetic diseases. Identifiers: MedGen C0950123, MeSH D030342.

Allele frequency attached by ClinVar (database versions not stated): gnomAD 0.00001; ExAC 0.00005; ESP Exome Variant Server 0.00008.
gnomAD v4.1: 27 of 1,612,356 alleles (0.0017%); highest among the groups gnomAD compares: Admixed American, 0.028%; no homozygotes.

Submissions (5):

Labcorp Genetics (formerly Invitae), Labcorp
Classification: Uncertain significance. Last evaluated: 2025-09-08. Review status: criteria provided, single submitter. Criteria: Invitae Variant Classification Sherloc (09022015). Collection method: clinical testing. Allele origin: germline.
Comment: This sequence change replaces glutamine, which is neutral and polar, with glutamic acid, which is acidic and polar, at codon 520 of the WFS1 protein (p.Gln520Glu). This variant is present in population databases (rs377544135, gnomAD 0.05%). This variant has not been reported in the literature in individuals affected with WFS1-related conditions. ClinVar contains an entry for this variant (Variation ID: 618494). Invitae Evidence Modeling of protein sequence and biophysical properties (such as structural, functional, and spatial information, amino acid conservation, physicochemical variation, residue mobility, and thermodynamic stability) indicates that this missense variant is not expected to disrupt WFS1 protein function with a negative predictive value of 95%. In summary, the available evidence is currently insufficient to determine the role of this variant in disease. Therefore, it has been classified as a Variant of Uncertain Significance.

PreventionGenetics, part of Exact Sciences
Classification: Uncertain significance for WFS1-related condition. Last evaluated: 2025-04-03. Review status: criteria provided, single submitter. Criteria: ACMG Guidelines, 2015. Collection method: clinical testing. Allele origin: germline.
Comment: The WFS1 c.1558C>G variant is predicted to result in the amino acid substitution p.Gln520Glu. To our knowledge, this variant has not been reported in the literature. This variant is reported in 0.043% of alleles in individuals of Latino descent in gnomAD. At this time, the clinical significance of this variant is uncertain due to the absence of conclusive functional and genetic evidence.

GeneDx
Classification: Uncertain significance. Last evaluated: 2024-09-27. Review status: criteria provided, single submitter. Criteria: GeneDx Variant Classification Process June 2021. Collection method: clinical testing. Allele origin: germline. Affected: yes.
Comment: In silico analysis indicates that this missense variant does not alter protein structure/function; Has not been previously published as pathogenic or benign to our knowledge

ARUP Laboratories, Molecular Genetics and Genomics, ARUP Laboratories
Classification: Uncertain significance. Last evaluated: 2024-08-14. Review status: criteria provided, single submitter. Criteria: ARUP Molecular Germline Variant Investigation Process 2024. Collection method: clinical testing. Allele origin: germline.
Comment: The WFS1 c.1558C>G; p.Gln520Glu variant (rs377544135), to our knowledge, is not reported in the medical literature but is reported in ClinVar (Variation ID: 618494). This variant is found in the Admixed American population with an allele frequency of 0.04% (15/34,590 alleles) in the Genome Aggregation Database (v2.1.1). Computational analyses are uncertain whether this variant is neutral or deleterious (REVEL: 0.387). Due to limited information, the clinical significance of the p.Gln520Glu variant is uncertain at this time.

Ambry Genetics
Classification: Uncertain significance for Inborn genetic diseases. Last evaluated: 2021-07-26. Review status: criteria provided, single submitter. Criteria: Ambry Variant Classification Scheme 2023. Collection method: clinical testing. Allele origin: germline.

NM_006005.3(WFS1):c.1558C>G (p.Gln520Glu)

Gene: WFS1 (wolframin ER transmembrane glycoprotein; plus strand). Cytogenetic location: 4p16.1.
Variant type: single nucleotide variant.
Coding change: c.1558C>G on transcript NM_006005.3 (MANE Select); coding-DNA position 1558, C replaced by G.
Protein change: p.Gln520Glu; replaces glutamine 520 with glutamic acid.
Molecular consequence: missense variant.
Genome position (GRCh38, 1-based): chr4:6,301,353, C>G. VCF-style: chr4-6301353-C-G. GRCh37 (hg19) VCF-style: chr4-6303080-C-G.
Other names: c.1558C>G, p.Gln520Glu (NM_001145853.1); short protein forms Q520E.
Identifiers: ClinVar variation 618494 (VCV000618494.22), dbSNP rs377544135, ClinGen allele CA2839403.